The following is an entry in ClinVar:

ClinVar aggregate classification (germline): Likely benign (0 of 4 stars; one submission).

Conditions:
NRP1-related disorder. Also called: NRP1-related condition.

gnomAD v4.1: 4 of 1,613,914 alleles (0.00025%); highest among the groups gnomAD compares: African/African-American, 0.0053%; no homozygotes.

Submission:

PreventionGenetics, part of Exact Sciences
Classification: Likely benign for NRP1-related condition. Last evaluated: 2023-03-05. Review status: no assertion criteria provided. Collection method: clinical testing. Allele origin: germline.
Comment: This variant is classified as likely benign based on ACMG/AMP sequence variant interpretation guidelines (Richards et al. 2015 PMID: 25741868, with internal and published modifications).

NM_003873.7(NRP1):c.982-3C>T

Gene: NRP1 (neuropilin 1; minus strand). Cytogenetic location: 10p11.22.
Variant type: single nucleotide variant.
Coding change: c.982-3C>T on transcript NM_003873.7 (MANE Select); 3 bases into the intron before coding-DNA position 982, C replaced by T.
Molecular consequence: intron variant.
Genome position (GRCh38, 1-based): chr10:33,226,292, G>A on the plus strand (C>T on the coding strand, the complement: NRP1 is on the minus strand). VCF-style: chr10-33226292-G-A. GRCh37 (hg19) VCF-style: chr10-33515220-G-A.
Other names: c.982-3C>T (NM_001244973.2, NM_001244972.2, NM_001330068.2 and 2 more transcripts).
Identifiers: ClinVar variation 3355548 (VCV003355548.1).